The following is an entry in ClinVar:

NM_001035.3(RYR2):c.14437T>C (p.Tyr4813His)

Gene: RYR2 (ryanodine receptor 2; plus strand). Cytogenetic location: 1q43.
Variant type: single nucleotide variant.
Coding change: c.14437T>C on transcript NM_001035.3 (MANE Select); coding-DNA position 14437, T replaced by C.
Protein change: p.Tyr4813His; replaces tyrosine 4813 with histidine.
Molecular consequence: missense variant.
Genome position (GRCh38, 1-based): chr1:237,819,039, T>C. VCF-style: chr1-237819039-T-C. GRCh37 (hg19) VCF-style: chr1-237982339-T-C.
Other names: short protein forms Y4813H.
Identifiers: ClinVar variation 3633848 (VCV003633848.2).

ClinVar aggregate classification (germline): Uncertain significance (1 of 4 stars; one submission).

Conditions:
Catecholaminergic polymorphic ventricular tachycardia 1. Also called: VENTRICULAR TACHYCARDIA, CATECHOLAMINERGIC POLYMORPHIC, 1, WITH OR WITHOUT ATRIAL DYSFUNCTION AND/OR DILATED CARDIOMYOPATHY; RYR2-Related Catecholaminergic Polymorphic Ventricular Tachycardia; VENTRICULAR TACHYCARDIA, STRESS-INDUCED POLYMORPHIC 1. Identifiers: Orphanet 3286, MedGen C1631597, MONDO:0011484, OMIM 604772.

Submission:

Labcorp Genetics (formerly Invitae), Labcorp
Classification: Uncertain significance for Catecholaminergic polymorphic ventricular tachycardia 1. Last evaluated: 2024-10-12. Review status: criteria provided, single submitter. Criteria: Invitae Variant Classification Sherloc (09022015). Collection method: clinical testing. Allele origin: germline.
Comment: This sequence change replaces tyrosine, which is neutral and polar, with histidine, which is basic and polar, at codon 4813 of the RYR2 protein (p.Tyr4813His). This variant is not present in population databases (gnomAD no frequency). This variant has not been reported in the literature in individuals affected with RYR2-related conditions. Invitae Evidence Modeling of protein sequence and biophysical properties (such as structural, functional, and spatial information, amino acid conservation, physicochemical variation, residue mobility, and thermodynamic stability) indicates that this missense variant is expected to disrupt RYR2 protein function with a positive predictive value of 95%. In summary, the available evidence is currently insufficient to determine the role of this variant in disease. Therefore, it has been classified as a Variant of Uncertain Significance.